The following is an entry in ClinVar:

NM_005732.4(RAD50):c.2190_2191delinsCT (p.Gly731Ter)

Gene: RAD50 (RAD50 double strand break repair protein; plus strand). Cytogenetic location: 5q31.1.
Variant type: Indel.
Coding change: c.2190_2191delinsCT on transcript NM_005732.4 (MANE Select); coding-DNA positions 2190 to 2191, GG replaced by CT.
Protein change: p.Gly731Ter; replaces glycine 731 with a stop codon.
Molecular consequence: nonsense.
Genome position (GRCh38, 1-based): chr5:132,595,793-132,595,794, GG replaced by CT. VCF-style: chr5-132595793-GG-CT. GRCh37 (hg19) VCF-style: chr5-131931485-GG-CT.
Other names: short protein forms G731*.
Identifiers: ClinVar variation 649615 (VCV000649615.8), dbSNP rs1580997203, ClinGen allele CA915943558.

ClinVar aggregate classification (germline): Pathogenic/Likely pathogenic. Review status: criteria provided, multiple submitters, no conflicts (2 of 4 stars). 2 submissions from 2 submitters: Pathogenic (1); Likely pathogenic (1). Last evaluated 2024-02-12.

Conditions:
Hereditary cancer-predisposing syndrome. Also called: Neoplastic Syndromes, Hereditary; Tumor predisposition; Hereditary Cancer Syndrome; Hereditary neoplastic syndrome. Identifiers: Orphanet 140162, MedGen C0027672, MeSH D009386, MONDO:0015356.
Nijmegen breakage syndrome-like disorder (NBSLD). Also called: MICROCEPHALY AND SPONTANEOUS CHROMOSOME INSTABILITY WITHOUT IMMUNODEFICIENCY; NBS-LIKE DISORDER; RAD50 DEFICIENCY. Identifiers: Orphanet 240760, MedGen C2751318, MONDO:0013118, OMIM 613078.

Submissions (2):

Fulgent Genetics
Classification: Likely pathogenic for Nijmegen breakage syndrome-like disorder. Last evaluated: 2024-02-12. Review status: criteria provided, single submitter. Criteria: ACMG Guidelines, 2015. Collection method: clinical testing. Allele origin: germline.

Labcorp Genetics (formerly Invitae), Labcorp
Classification: Pathogenic for Hereditary cancer-predisposing syndrome. Last evaluated: 2023-07-10. Review status: criteria provided, single submitter. Criteria: Invitae Variant Classification Sherloc (09022015). Collection method: clinical testing. Allele origin: germline.
Comment: For these reasons, this variant has been classified as Pathogenic. ClinVar contains an entry for this variant (Variation ID: 649615). This variant has not been reported in the literature in individuals affected with RAD50-related conditions. Information on the frequency of this variant in the gnomAD database is not available, as this variant may be reported differently in the database. This sequence change creates a premature translational stop signal (p.Gly731*) in the RAD50 gene. It is expected to result in an absent or disrupted protein product. Loss-of-function variants in RAD50 are known to be pathogenic (PMID: 19409520).

Literature cited by the submitters: PubMed 19409520 (cited by Labcorp Genetics (formerly Invitae), Labcorp).